The following is an entry in ClinVar:

NM_002880.4(RAF1):c.320+6A>T

Gene: RAF1 (Raf-1 proto-oncogene, serine/threonine kinase; minus strand). Cytogenetic location: 3p25.2.
Variant type: single nucleotide variant.
Coding change: c.320+6A>T on transcript NM_002880.4 (MANE Select); 6 bases into the intron after coding-DNA position 320, A replaced by T.
Molecular consequence: intron variant.
Genome position (GRCh38, 1-based): chr3:12,611,944, T>A on the plus strand (A>T on the coding strand, the complement: RAF1 is on the minus strand). VCF-style: chr3-12611944-T-A. GRCh37 (hg19) VCF-style: chr3-12653443-T-A.
Other names: c.78-2609A>T (NM_001354695.3, NM_001354692.3, NM_001354694.3 and 1 more transcripts); c.320+6A>T (NM_001354693.3, NM_001354689.3, NM_001354690.3).
Identifiers: ClinVar variation 1990206 (VCV001990206.4), dbSNP rs2470402976, ClinGen allele CA2539049658.

ClinVar aggregate classification (germline): Uncertain significance (1 of 4 stars; one submission).

Conditions:
RASopathy. Also called: rasopathies; Noonan spectrum disorder. Identifiers: Orphanet 536391, MedGen C5555857, MONDO:0021060.

Submission:

Labcorp Genetics (formerly Invitae), Labcorp
Classification: Uncertain significance for RASopathy. Last evaluated: 2023-05-12. Review status: criteria provided, single submitter. Criteria: Invitae Variant Classification Sherloc (09022015). Collection method: clinical testing. Allele origin: germline.
Comment: This variant has not been reported in the literature in individuals affected with RAF1-related conditions. ClinVar contains an entry for this variant (Variation ID: 1990206). Variants that disrupt the consensus splice site are a relatively common cause of aberrant splicing (PMID: 17576681, 9536098). Algorithms developed to predict the effect of sequence changes on RNA splicing suggest that this variant is not likely to affect RNA splicing. This variant is not present in population databases (gnomAD no frequency). In summary, the available evidence is currently insufficient to determine the role of this variant in disease. Therefore, it has been classified as a Variant of Uncertain Significance. This sequence change falls in intron 3 of the RAF1 gene. It does not directly change the encoded amino acid sequence of the RAF1 protein. It affects a nucleotide within the consensus splice site.

Literature cited by the submitters: PubMed 17576681; PubMed 9536098.